The following is an entry in ClinVar:

ClinVar aggregate classification (germline): Uncertain significance (1 of 4 stars; one submission).

Allele frequency attached by ClinVar (database versions not stated): gnomAD exomes below 0.00001 and 0.00001; ExAC 0.00001.

Submission:

Labcorp Genetics (formerly Invitae), Labcorp
Classification: Uncertain significance. Last evaluated: 2024-02-24. Review status: criteria provided, single submitter. Criteria: Invitae Variant Classification Sherloc (09022015). Collection method: clinical testing. Allele origin: germline.
Comment: This sequence change replaces proline, which is neutral and non-polar, with histidine, which is basic and polar, at codon 40 of the MS4A1 protein (p.Pro40His). This variant is present in population databases (rs773222759, gnomAD 0.002%). This variant has not been reported in the literature in individuals affected with MS4A1-related conditions. ClinVar contains an entry for this variant (Variation ID: 1477830). An algorithm developed to predict the effect of missense changes on protein structure and function (PolyPhen-2) suggests that this variant is likely to be disruptive. In summary, the available evidence is currently insufficient to determine the role of this variant in disease. Therefore, it has been classified as a Variant of Uncertain Significance.

NM_152866.3(MS4A1):c.119C>A (p.Pro40His)

Gene: MS4A1 (membrane spanning 4-domains A1; plus strand). Cytogenetic location: 11q12.2.
Variant type: single nucleotide variant.
Coding change: c.119C>A on transcript NM_152866.3 (MANE Select); coding-DNA position 119, C replaced by A.
Protein change: p.Pro40His; replaces proline 40 with histidine.
Molecular consequence: missense variant.
Genome position (GRCh38, 1-based): chr11:60,462,493, C>A. VCF-style: chr11-60462493-C-A. GRCh37 (hg19) VCF-style: chr11-60229966-C-A.
Other names: c.119C>A, p.Pro40His (NM_021950.4, NM_152867.2); short protein forms P40H.
Identifiers: ClinVar variation 1477830 (VCV001477830.8), dbSNP rs773222759, ClinGen allele CA6024868.